The following is an entry in ClinVar:

ClinVar aggregate classification (germline): Benign/Likely benign. Review status: criteria provided, multiple submitters, no conflicts (2 of 4 stars). 4 submissions from 4 submitters: Benign (1); Likely benign (3). Last evaluated 2026-09-01.

Allele frequency attached by ClinVar (database versions not stated): 1000 Genomes Project 30x 0.00016; 1000 Genomes Project 0.00020; ESP Exome Variant Server 0.00041; gnomAD 0.00049; ExAC 0.00058.
gnomAD v4.1: 1,192 of 1,613,804 alleles (0.074%); highest among the groups gnomAD compares: South Asian, 0.18%; 4 homozygotes.

Submissions (4):

CeGaT Center for Human Genetics Tuebingen
Classification: Likely benign. Last evaluated: 2026-09-01. Review status: criteria provided, single submitter. Criteria: CeGaT Center For Human Genetics Tuebingen Variant Classification Criteria Version 2. Collection method: clinical testing. Allele origin: germline. Affected: yes. Observed: 3 variant alleles.
Comment: NBEA: BP4, BS1

Mayo Clinic Laboratories, Mayo Clinic
Classification: Benign. Last evaluated: 2024-10-24. Review status: criteria provided, single submitter. Criteria: ACMG Guidelines, 2015. Collection method: clinical testing. Allele origin: germline. Observed: 1 variant allele.
Comment: BS1, BS2, BP4, BP7

Women's Health and Genetics/Laboratory Corporation of America, LabCorp
Classification: Likely benign. Last evaluated: 2024-08-28. Review status: criteria provided, single submitter. Criteria: LabCorp Variant Classification Summary - May 2015. Collection method: clinical testing. Allele origin: germline.

Blueprint Genetics
Classification: Likely benign. Last evaluated: 2024-08-20. Review status: criteria provided, single submitter. Criteria: ACMG Guidelines, 2015. Collection method: clinical testing. Allele origin: germline.

NM_001385012.1(NBEA):c.7794C>T (p.Leu2598=)

Gene: NBEA (neurobeachin; plus strand). Cytogenetic location: 13q13.3.
Variant type: single nucleotide variant.
Coding change: c.7794C>T on transcript NM_001385012.1 (MANE Select); coding-DNA position 7794, C replaced by T.
Protein change: p.Leu2598=; no amino-acid change (leucine 2598 retained).
Molecular consequence: synonymous variant.
Genome position (GRCh38, 1-based): chr13:35,649,678, C>T. VCF-style: chr13-35649678-C-T. GRCh37 (hg19) VCF-style: chr13-36223815-C-T.
Other names: p.Leu2577=; c.1110C>T, p.Leu370= (NM_001204197.3); c.7785C>T, p.Leu2595= (NM_001379245.1); c.7731C>T, p.Leu2577= (NM_015678.5); c.7731C>T (NM_015678.4).
Identifiers: ClinVar variation 2643766 (VCV002643766.27), dbSNP rs375277377, ClinGen allele CA6947864.